The following is an entry in ClinVar:

NM_001111.5(ADAR):c.1465C>T (p.Arg489Trp)

Gene: ADAR (adenosine deaminase RNA specific; minus strand). Cytogenetic location: 1q21.3.
Variant type: single nucleotide variant.
Coding change: c.1465C>T on transcript NM_001111.5 (MANE Select); coding-DNA position 1465, C replaced by T.
Protein change: p.Arg489Trp; replaces arginine 489 with tryptophan.
Molecular consequence: missense variant.
Genome position (GRCh38, 1-based): chr1:154,601,177, G>A on the plus strand (C>T on the coding strand, the complement: ADAR is on the minus strand). VCF-style: chr1-154601177-G-A. GRCh37 (hg19) VCF-style: chr1-154573653-G-A.
Other names: c.580C>T, p.Arg194Trp (NM_001025107.3, NM_001193495.2, NM_001365046.1 and 3 more transcripts); c.1492C>T, p.Arg498Trp (NM_001365045.1); c.1465C>T, p.Arg489Trp (NM_015840.4, NM_015841.4); short protein forms R489W, R194W, R498W.
Identifiers: ClinVar variation 1908466 (VCV001908466.5), dbSNP rs1168851805, ClinGen allele CA342596219.
Genomic context (GRCh38, chr1:154,601,177, plus strand): 5'-ACAGCCCGCTGATGGGGTTCTTCAGCTGGCACTCTGTCAGTTTCTTGTAGGGTGAACACC[G>A]TGGCAAGCCATGACTGTAGAAGGAGGGCATCTCCATGATGGCTCGAAACTCACCTGGTGC-3'
Protein context (NP_001102.3, residues 479-499): MPSFYSHGLP[Arg489Trp]CSPYKKLTEC

ClinVar aggregate classification (germline): Uncertain significance (1 of 4 stars; one submission).

Conditions:
Symmetrical dyschromatosis of extremities (DSH). Also called: DYSCHROMATOSIS SYMMETRICA HEREDITARIA 1; Dyschromatosis symmetrica hereditaria; RETICULATE ACROPIGMENTATION OF DOHI; SYMMETRIC DYSCHROMATOSIS OF THE EXTREMITIES. Identifiers: Orphanet 41, MedGen C0406775, MONDO:0007483, OMIM 127400.
Aicardi-Goutieres syndrome 6 (AGS6). Identifiers: Orphanet 51, MedGen C3539013, MONDO:0014007, OMIM 615010.

Allele frequency attached by ClinVar (database versions not stated): gnomAD 0.00001; gnomAD exomes 0.00001; TOPMed 0.00001.
gnomAD v4.1: 12 of 1,614,104 alleles (0.00074%); highest among the groups gnomAD compares: Non-Finnish European, 0.001%; no homozygotes.

Submission:

Labcorp Genetics (formerly Invitae), Labcorp
Classification: Uncertain significance for Aicardi-Goutieres syndrome 6; Symmetrical dyschromatosis of extremities. Last evaluated: 2024-08-21. Review status: criteria provided, single submitter. Criteria: Invitae Variant Classification Sherloc (09022015). Collection method: clinical testing. Allele origin: germline.
Comment: This sequence change replaces arginine, which is basic and polar, with tryptophan, which is neutral and slightly polar, at codon 489 of the ADAR protein (p.Arg489Trp). This variant is present in population databases (no rsID available, gnomAD 0.007%). This variant has not been reported in the literature in individuals affected with ADAR-related conditions. ClinVar contains an entry for this variant (Variation ID: 1908466). Invitae Evidence Modeling of protein sequence and biophysical properties (such as structural, functional, and spatial information, amino acid conservation, physicochemical variation, residue mobility, and thermodynamic stability) indicates that this missense variant is not expected to disrupt ADAR protein function with a negative predictive value of 80%. In summary, the available evidence is currently insufficient to determine the role of this variant in disease. Therefore, it has been classified as a Variant of Uncertain Significance.